The following is an entry in ClinVar:

ClinVar aggregate classification (germline): Uncertain significance (1 of 4 stars; one submission).

Conditions:
Inborn genetic diseases. Identifiers: MedGen C0950123, MeSH D030342.

gnomAD v4.1: 10 of 787,384 alleles (0.0013%); highest among the groups gnomAD compares: South Asian, 0.0025%; no homozygotes.

Submission:

Ambry Genetics
Classification: Uncertain significance for Inborn genetic diseases. Last evaluated: 2022-07-21. Review status: criteria provided, single submitter. Criteria: Ambry Variant Classification Scheme 2023. Collection method: clinical testing. Allele origin: germline.
Comment: The c.1571G>A (p.R524H) alteration is located in exon 18 (coding exon 18) of the CUX1 gene. This alteration results from a G to A substitution at nucleotide position 1571, causing the arginine (R) at amino acid position 524 to be replaced by a histidine (H). Based on data from gnomAD, the A allele has an overall frequency of 0.0007% (1/134146) total alleles studied. This amino acid position is well conserved in available vertebrate species. This alteration is predicted to be tolerated by in silico analysis. Based on insufficient or conflicting evidence, the clinical significance of this alteration remains unclear.

NM_001913.5(CUX1):c.1571G>A (p.Arg524His)

Gene: CUX1 (cut like homeobox 1; plus strand). Cytogenetic location: 7q22.1.
Variant type: single nucleotide variant.
Coding change: c.1571G>A on transcript NM_001913.5 (MANE Plus Clinical); coding-DNA position 1571, G replaced by A.
Protein change: p.Arg524His; replaces arginine 524 with histidine.
Molecular consequence: missense variant.
Genome position (GRCh38, 1-based): chr7:102,277,956, G>A. VCF-style: chr7-102277956-G-A. GRCh37 (hg19) VCF-style: chr7-101921227-G-A.
Other names: c.1523G>A, p.Arg508His (NM_001202544.3); c.1433G>A, p.Arg478His (NM_001202545.3); c.1454G>A, p.Arg485His (NM_001202546.3); c.1565G>A, p.Arg522His (NM_181500.4); short protein forms R478H, R522H, R485H, R508H, R524H.
Identifiers: ClinVar variation 2404227 (VCV002404227.2), dbSNP rs1554548105, ClinGen allele CA368679121.
Genomic context (GRCh38, chr7:102,277,956, plus strand): 5'-GTGCCAGCACGGAGGCCTCTCCCCCACCCCTTTCCTTGCCCCTCCCCCCCCAGGAGAACC[G>A]CCTGGCCCAGCACACCCTCCAGGCCCTGCAGAGTGAGCTGGACAGCCTGCGCGCCGACAA-3'
Protein context (NP_001904.2, residues 514-534): ARNQELEAEN[Arg524His]LAQHTLQALQ